The following is an entry in ClinVar:

NM_004698.4(PRPF3):c.493C>T (p.Pro165Ser)

Gene: PRPF3 (pre-mRNA processing factor 3; plus strand). Cytogenetic location: 1q21.2.
Variant type: single nucleotide variant.
Coding change: c.493C>T on transcript NM_004698.4 (MANE Select); coding-DNA position 493, C replaced by T.
Protein change: p.Pro165Ser; replaces proline 165 with serine.
Molecular consequence: missense variant. On other transcripts: non-coding transcript variant (4).
Genome position (GRCh38, 1-based): chr1:150,332,753, C>T. VCF-style: chr1-150332753-C-T. GRCh37 (hg19) VCF-style: chr1-150305224-C-T.
Other names: c.88C>T, p.Pro30Ser (NM_001350529.1); c.493C>T (NM_004698.2); short protein forms P165S, P30S.
Identifiers: ClinVar variation 1057062 (VCV001057062.11), dbSNP rs782509534, ClinGen allele CA1075442.
Genomic context (GRCh38, chr1:150,332,753, plus strand): 5'-ATGATGGAGGCAGCAACACGACAAATCGAGGAGAGGAAAAAACAGCTGAGCTTCATTAGC[C>T]CCCCTACACCTCAGGTATTGTGTCTAGATTACTCTGAACAGAATAATCTTTGGCACAGAA-3'
Protein context (NP_004689.1, residues 155-175): ERKKQLSFIS[Pro165Ser]PTPQPKTPSS

ClinVar aggregate classification (germline): Uncertain significance. Review status: criteria provided, multiple submitters, no conflicts (2 of 4 stars). 2 submissions from 2 submitters: Uncertain significance (2). Last evaluated 2025-03-10.

Conditions:
Inborn genetic diseases. Identifiers: MedGen C0950123, MeSH D030342.

Allele frequency attached by ClinVar (database versions not stated): ExAC 0.00001; gnomAD 0.00001; gnomAD exomes 0.00001; TOPMed 0.00002.
gnomAD v4.1: 13 of 1,613,866 alleles (0.00081%); highest among the groups gnomAD compares: Non-Finnish European, 0.001%; no homozygotes.

Submissions (2):

Ambry Genetics
Classification: Uncertain significance for Inborn genetic diseases. Last evaluated: 2025-03-10. Review status: criteria provided, single submitter. Criteria: Ambry Variant Classification Scheme 2023. Collection method: clinical testing. Allele origin: germline.

Labcorp Genetics (formerly Invitae), Labcorp
Classification: Uncertain significance. Last evaluated: 2022-09-06. Review status: criteria provided, single submitter. Criteria: Invitae Variant Classification Sherloc (09022015). Collection method: clinical testing. Allele origin: germline.
Comment: In summary, the available evidence is currently insufficient to determine the role of this variant in disease. Therefore, it has been classified as a Variant of Uncertain Significance. Algorithms developed to predict the effect of missense changes on protein structure and function (SIFT, PolyPhen-2, Align-GVGD) all suggest that this variant is likely to be tolerated. ClinVar contains an entry for this variant (Variation ID: 1057062). This variant has not been reported in the literature in individuals affected with PRPF3-related conditions. This variant is present in population databases (rs782509534, gnomAD 0.002%). This sequence change replaces proline, which is neutral and non-polar, with serine, which is neutral and polar, at codon 165 of the PRPF3 protein (p.Pro165Ser).